The following is an entry in ClinVar:

NM_001042492.3(NF1):c.255T>G (p.Ile85Met)

Gene: NF1 (neurofibromin 1; plus strand). Cytogenetic location: 17q11.2.
Variant type: single nucleotide variant.
Coding change: c.255T>G on transcript NM_001042492.3 (MANE Select); coding-DNA position 255, T replaced by G.
Protein change: p.Ile85Met; replaces isoleucine 85 with methionine.
Molecular consequence: missense variant.
Genome position (GRCh38, 1-based): chr17:31,159,060, T>G. VCF-style: chr17-31159060-T-G. GRCh37 (hg19) VCF-style: chr17-29486078-T-G.
Other names: c.255T>G, p.Ile85Met (NM_000267.4, NM_001128147.3); short protein forms I85M.
Identifiers: ClinVar variation 4119054 (VCV004119054.2).

ClinVar aggregate classification (germline): Uncertain significance. Review status: criteria provided, multiple submitters, no conflicts (2 of 4 stars). 2 submissions from 2 submitters: Uncertain significance (2). Last evaluated 2025-06-27.

Conditions:
Cardiovascular phenotype. Identifiers: MedGen CN230736.
Hereditary cancer-predisposing syndrome. Also called: Hereditary neoplastic syndrome; Neoplastic Syndromes, Hereditary; Tumor predisposition; Hereditary Cancer Syndrome. Identifiers: Orphanet 140162, MedGen C0027672, MeSH D009386, MONDO:0015356.

Submissions (2):

GeneDx
Classification: Uncertain significance. Last evaluated: 2025-06-27. Review status: criteria provided, single submitter. Criteria: GeneDx Variant Classification Process June 2021. Collection method: clinical testing. Allele origin: germline. Affected: yes.
Comment: Not observed at significant frequency in large population cohorts (gnomAD); In silico analysis suggests that this missense variant does not alter protein structure/function; Has not been previously published as pathogenic or benign to our knowledge

Ambry Genetics
Classification: Uncertain significance for Cardiovascular phenotype; Hereditary cancer-predisposing syndrome. Last evaluated: 2025-06-25. Review status: criteria provided, single submitter. Criteria: Ambry Variant Classification Scheme 2023. Collection method: clinical testing. Allele origin: germline.
Comment: The p.I85M variant (also known as c.255T>G), located in coding exon 3 of the NF1 gene, results from a T to G substitution at nucleotide position 255. The isoleucine at codon 85 is replaced by methionine, an amino acid with highly similar properties. This amino acid position is highly conserved in available vertebrate species. In addition, the in silico prediction for this alteration is inconclusive. Based on the available evidence, the clinical significance of this variant remains unclear.